The following is an entry in ClinVar:

ClinVar aggregate classification (germline): Uncertain significance. Review status: criteria provided, multiple submitters, no conflicts (2 of 4 stars). 3 submissions from 3 submitters: Uncertain significance (3). Last evaluated 2024-10-15.

Conditions:
Age related macular degeneration 1 (ARMD1). Also called: MACULOPATHY, AGE-RELATED, 1. Identifiers: MedGen C1864205, MONDO:0011285, OMIM 603075.

Allele frequency attached by ClinVar (database versions not stated): gnomAD exomes below 0.00001 and 0.00001; ExAC 0.00001.
gnomAD v4.1: 4 of 1,614,072 alleles (0.00025%); highest among the groups gnomAD compares: Admixed American, 0.0017%; no homozygotes.

Submissions (3):

Labcorp Genetics (formerly Invitae), Labcorp
Classification: Uncertain significance. Last evaluated: 2024-10-15. Review status: criteria provided, single submitter. Criteria: Invitae Variant Classification Sherloc (09022015). Collection method: clinical testing. Allele origin: germline.
Comment: This sequence change replaces threonine, which is neutral and polar, with alanine, which is neutral and non-polar, at codon 5015 of the HMCN1 protein (p.Thr5015Ala). This variant is present in population databases (rs767233028, gnomAD 0.0009%). This variant has not been reported in the literature in individuals affected with HMCN1-related conditions. ClinVar contains an entry for this variant (Variation ID: 1436821). An algorithm developed to predict the effect of missense changes on protein structure and function (PolyPhen-2) suggests that this variant is likely to be disruptive. In summary, the available evidence is currently insufficient to determine the role of this variant in disease. Therefore, it has been classified as a Variant of Uncertain Significance.

Genome-Nilou Lab
Classification: Uncertain significance for Age related macular degeneration 1. Last evaluated: 2023-04-11. Review status: criteria provided, single submitter. Criteria: ACMG Guidelines, 2015. Collection method: clinical testing. Allele origin: germline. Affected: no.

Ambry Genetics
Classification: Uncertain significance. Last evaluated: 2022-12-15. Review status: criteria provided, single submitter. Criteria: Ambry Variant Classification Scheme 2023. Collection method: clinical testing. Allele origin: germline.

NM_031935.3(HMCN1):c.15043A>G (p.Thr5015Ala)

Gene: HMCN1 (hemicentin 1; plus strand). Cytogenetic location: 1q31.1.
Variant type: single nucleotide variant.
Coding change: c.15043A>G on transcript NM_031935.3 (MANE Select); coding-DNA position 15043, A replaced by G.
Protein change: p.Thr5015Ala; replaces threonine 5015 with alanine.
Molecular consequence: missense variant.
Genome position (GRCh38, 1-based): chr1:186,153,774, A>G. VCF-style: chr1-186153774-A-G. GRCh37 (hg19) VCF-style: chr1-186122906-A-G.
Other names: c.15043A>G (NM_031935.2); short protein forms T5015A.
Identifiers: ClinVar variation 1436821 (VCV001436821.7), dbSNP rs767233028, ClinGen allele CA1295145.